The following is an entry in ClinVar:

NM_012213.3(MLYCD):c.87C>T (p.Ser29=)

Genes: MLYCD (malonyl-CoA decarboxylase; plus strand), LOC130059554 (ATAC-STARR-seq lymphoblastoid silent region 7769; plus strand). Cytogenetic location: 16q23.3.
Variant type: single nucleotide variant.
Coding change: c.87C>T on transcript NM_012213.3 (MANE Select); coding-DNA position 87, C replaced by T.
Protein change: p.Ser29=; no amino-acid change (serine 29 retained).
Molecular consequence: synonymous variant.
Genome position (GRCh38, 1-based): chr16:83,899,231, C>T. VCF-style: chr16-83899231-C-T. GRCh37 (hg19) VCF-style: chr16-83932836-C-T.
Identifiers: ClinVar variation 514065 (VCV000514065.1), dbSNP rs1253265045, ClinGen allele CA497001031.

ClinVar aggregate classification (germline): Likely benign (1 of 4 stars; one submission).

Submission:

GeneDx
Classification: Likely benign. Last evaluated: 2017-12-18. Review status: criteria provided, single submitter. Criteria: GeneDx Variant Classification (06012015). Collection method: clinical testing. Allele origin: germline. Affected: yes.
Comment: This variant is considered likely benign or benign based on one or more of the following criteria: it is a conservative change, it occurs at a poorly conserved position in the protein, it is predicted to be benign by multiple in silico algorithms, and/or has population frequency not consistent with disease.